The following is an entry in ClinVar:

NM_199420.4(POLQ):c.2735C>T (p.Thr912Ile)

Gene: POLQ (DNA polymerase theta; minus strand). Cytogenetic location: 3q13.33.
Variant type: single nucleotide variant.
Coding change: c.2735C>T on transcript NM_199420.4 (MANE Select); coding-DNA position 2735, C replaced by T.
Protein change: p.Thr912Ile; replaces threonine 912 with isoleucine.
Molecular consequence: missense variant.
Genome position (GRCh38, 1-based): chr3:121,490,196, G>A on the plus strand (C>T on the coding strand, the complement: POLQ is on the minus strand). VCF-style: chr3-121490196-G-A. GRCh37 (hg19) VCF-style: chr3-121209043-G-A.
Other names: short protein forms T912I.
Identifiers: ClinVar variation 2449331 (VCV002449331.2), dbSNP rs1320400898, ClinGen allele CA354104894.

ClinVar aggregate classification (germline): Uncertain significance (1 of 4 stars; one submission).

Allele frequency attached by ClinVar (database versions not stated): gnomAD exomes below 0.00001; gnomAD 0.00002; TOPMed 0.00002.
gnomAD v4.1: 4 of 1,613,632 alleles (0.00025%); highest among the groups gnomAD compares: African/African-American, 0.004%; no homozygotes.

Submission:

Ambry Genetics
Classification: Uncertain significance. Last evaluated: 2023-01-23. Review status: criteria provided, single submitter. Criteria: Ambry Variant Classification Scheme 2023. Collection method: clinical testing. Allele origin: germline.
Comment: The p.T912I variant (also known as c.2735C>T), located in coding exon 16 of the POLQ gene, results from a C to T substitution at nucleotide position 2735. The threonine at codon 912 is replaced by isoleucine, an amino acid with similar properties. This amino acid position is conserved. In addition, this alteration is predicted to be tolerated by in silico analysis. Since supporting evidence is limited at this time, the clinical significance of this alteration remains unclear.